The following is an entry in ClinVar:

NM_000179.3(MSH6):c.2807_2809delinsTTA (p.Asp936_Tyr937delinsValAsn)

Gene: MSH6 (mutS homolog 6; plus strand). Cytogenetic location: 2p16.3.
Variant type: Indel.
Coding change: c.2807_2809delinsTTA on transcript NM_000179.3 (MANE Select); coding-DNA positions 2807 to 2809, ATT replaced by TTA.
Protein change: p.Asp936_Tyr937delinsValAsn.
Molecular consequence: missense variant. On other transcripts: non-coding transcript variant (5), intron variant (2).
Genome position (GRCh38, 1-based): chr2:47,800,790-47,800,792, ATT replaced by TTA. VCF-style: chr2-47800790-ATT-TTA. GRCh37 (hg19) VCF-style: chr2-48027929-ATT-TTA.
Other names: c.2417_2419delinsTTA, p.Asp806_Tyr807delinsValAsn (NM_001281492.2); c.1901_1903delinsTTA, p.Asp634_Tyr635delinsValAsn (NM_001281493.2, NM_001281494.2, NM_001406811.1 and 6 more transcripts); c.2903_2905delinsTTA, p.Asp968_Tyr969delinsValAsn (NM_001406795.1, NM_001406802.1); c.2807_2809delinsTTA, p.Asp936_Tyr937delinsValAsn (NM_001406796.1, NM_001406798.1, NM_001406800.1 and 2 more transcripts); c.2510_2512delinsTTA, p.Asp837_Tyr838delinsValAsn (NM_001406797.1, NM_001406801.1, NM_001406805.1 and 10 more transcripts); c.2282_2284delinsTTA, p.Asp761_Tyr762delinsValAsn (NM_001406799.1, NM_001406806.1, NM_001406807.1); c.2729_2731delinsTTA, p.Asp910_Tyr911delinsValAsn (NM_001406804.1); c.2813_2815delinsTTA, p.Asp938_Tyr939delinsValAsn (NM_001406813.1); and 4 more.
Identifiers: ClinVar variation 4111195 (VCV004111195.1).

ClinVar aggregate classification (germline): Uncertain significance (1 of 4 stars; one submission).

Conditions:
Hereditary cancer-predisposing syndrome. Also called: Tumor predisposition; Neoplastic Syndromes, Hereditary; Hereditary neoplastic syndrome; Hereditary Cancer Syndrome. Identifiers: Orphanet 140162, MedGen C0027672, MeSH D009386, MONDO:0015356.

Submission:

Ambry Genetics
Classification: Uncertain significance for Hereditary cancer-predisposing syndrome. Last evaluated: 2025-07-07. Review status: criteria provided, single submitter. Criteria: Ambry Variant Classification Scheme 2023. Collection method: clinical testing. Allele origin: germline.
Comment: The c.2807_2809delATTinsTTA variant (also known as p.D936_Y937delinsVN), located in coding exon 4 of the MSH6 gene, results from an in-frame deletion of ATT and insertion of TTA at nucleotide positions 2807 to 2809. This results in the substitution of aspartic acid and tyrosine residues for a valine and asparagine residue at codon 936 and 937. These amino acid positions are well conserved in available vertebrate species. In addition, this variant is predicted to be deleterious by in silico analysis (Choi Y et al. PLoS ONE. 2012; 7(10):e46688). Based on the available evidence, the clinical significance of this variant remains unclear.